The following is an entry in ClinVar:

NM_001128164.2(ATXN1):c.588GCA[17] (p.Gln208_His209insGlnGlnGlnGln)

Genes: ATXN1 (ataxin 1; minus strand), LOC108663993 (ataxin 1 repeat instability region; plus strand). Cytogenetic location: 6p22.3.
Variant type: Microsatellite.
Coding change: c.588GCA[17] on transcript NM_001128164.2 (MANE Select); 17 copies in a row of the 3-base unit GCA starting at c.588; the reference has 13 copies in a row; four copies, 12 bases duplicated.
Protein change: p.Gln208_His209insGlnGlnGlnGln.
Molecular consequence: inframe indel (on NM_000332.3). On other transcripts: no sequence alteration (1).
Genome position (GRCh38, 1-based): chr6:16,327,685-16,327,696, TGCTGCTGCTGC duplicated on the plus strand (GCAGCAGCAGCA on the coding strand, the reverse complement: ATXN1 is on the minus strand); duplicating any 12 consecutive bases within chr6:16,327,685-16,327,724 gives the same sequence; the position shown is the placement nearest the transcript's 3' end. VCF-style (leftmost placement, unchanged base first): chr6-16327684-A-ATGCTGCTGCTGC. GRCh37 (hg19) VCF-style: chr6-16327915-A-ATGCTGCTGCTGC.
Other names: c.615_626dup12 (NM_000332.3); c.587_589AGC[17], p.Gln208_His209insGlnGlnGlnGln (NM_000332.3); c.588GCA[17], p.Gln208_His209insGlnGlnGlnGln (NM_000332.4); c.*1GCA[17], p.Ter186= (NM_001357857.2).
Identifiers: ClinVar variation 3060614 (VCV003060614.3), dbSNP rs193922926, ClinGen allele CA821899014.

ClinVar aggregate classification (germline): Likely benign. Review status: criteria provided, single submitter (1 of 4 stars). 2 submissions from 2 submitters: Likely benign (1). 1 of the submissions does not count toward it. Last evaluated 2024-11-25.

Conditions:
ATXN1-related disorder. Also called: ATXN1-related condition.

Submissions (2):

Blueprint Genetics
Classification: Likely benign. Last evaluated: 2024-11-25. Review status: criteria provided, single submitter. Criteria: ACMG Guidelines, 2015. Collection method: clinical testing. Allele origin: germline.

PreventionGenetics, part of Exact Sciences
Classification: Likely benign for ATXN1-related condition. Last evaluated: 2022-03-21. Review status: no assertion criteria provided. Collection method: clinical testing. Allele origin: germline. Not counted in ClinVar's aggregate classification.
Comment: This variant is classified as likely benign based on ACMG/AMP sequence variant interpretation guidelines (Richards et al. 2015 PMID: 25741868, with internal and published modifications).